The following is an entry in ClinVar:

NM_024753.5(TTC21B):c.2951-1G>A

Gene: TTC21B (tetratricopeptide repeat domain 21B; minus strand). Cytogenetic location: 2q24.3.
Variant type: single nucleotide variant.
Coding change: c.2951-1G>A on transcript NM_024753.5 (MANE Select); the canonical splice acceptor site of the intron before coding-DNA position 2951, G replaced by A.
Molecular consequence: splice acceptor variant.
Genome position (GRCh38, 1-based): chr2:165,890,989, C>T on the plus strand (G>A on the coding strand, the complement: TTC21B is on the minus strand). VCF-style: chr2-165890989-C-T. GRCh37 (hg19) VCF-style: chr2-166747499-C-T.
Identifiers: ClinVar variation 3584603 (VCV003584603.2).
Genomic context (GRCh38, chr2:165,890,989, plus strand): 5'-CCTCGAGTTTTCCACATCTTCTTAGGAGATCAATCAAACGAGATAATGTCATATAATTAT[C>T]TAGAAACAAATAATACTTCAGATATGGGCACCATTTTATACTGTTTCTTTTGTTGGTTAT-3'

ClinVar aggregate classification (germline): Likely pathogenic. Review status: criteria provided, multiple submitters, no conflicts (2 of 4 stars). 2 submissions from 2 submitters: Likely pathogenic (2). Last evaluated 2025-11-17.

Conditions:
Asphyxiating thoracic dystrophy 4 (SRTD4). Also called: SHORT-RIB THORACIC DYSPLASIA 4 WITH OR WITHOUT POLYDACTYLY; SHORT-RIB THORACIC DYSPLASIA 4. Identifiers: Orphanet 474, MedGen C3151185, MONDO:0013441, OMIM 613819.
Nephronophthisis 12 (NPHP12). Identifiers: Orphanet 655, MedGen C3151186, MONDO:0013442, OMIM 613820.
Nephronophthisis. Also called: Juvenile Nephronophthisis. Identifiers: Orphanet 655, MedGen C0687120, MONDO:0019005, HP:0000090.
Jeune thoracic dystrophy. Also called: Jeune syndrome; Infantile thoracic dystrophy; Thoracic pelvic phalangeal dystrophy; Jeune's syndrome; Chondroectodermal dysplasia-like syndrome; Short-rib thoracic dysplasia. Identifiers: Orphanet 474, MedGen C0265275, MONDO:0018770.

Submissions (2):

Labcorp Genetics (formerly Invitae), Labcorp
Classification: Likely pathogenic for Jeune thoracic dystrophy; Nephronophthisis. Last evaluated: 2025-11-17. Review status: criteria provided, single submitter. Criteria: Invitae Variant Classification Sherloc (09022015). Collection method: clinical testing. Allele origin: germline.
Comment: This sequence change affects an acceptor splice site in intron 22 of the TTC21B gene. It is expected to disrupt RNA splicing. Variants that disrupt the donor or acceptor splice site typically lead to a loss of protein function (PMID: 16199547), and loss-of-function variants in TTC21B are known to be pathogenic (PMID: 18327258, 21068128, 21258341, 23559409, 24876116, 25492405, 27491411, 29068549). This variant is not present in population databases (gnomAD no frequency). This variant has not been reported in the literature in individuals affected with TTC21B-related conditions. ClinVar contains an entry for this variant (Variation ID: 3584603). Algorithms developed to predict the effect of sequence changes on RNA splicing suggest that this variant may disrupt the consensus splice site. In summary, the currently available evidence indicates that the variant is pathogenic, but additional data are needed to prove that conclusively. Therefore, this variant has been classified as Likely Pathogenic.

Fulgent Genetics
Classification: Likely pathogenic for Asphyxiating thoracic dystrophy 4; Nephronophthisis 12. Last evaluated: 2024-06-21. Review status: criteria provided, single submitter. Criteria: ACMG Guidelines, 2015. Collection method: clinical testing. Allele origin: germline.

Literature cited by the submitters: PubMed 16199547 (cited by Labcorp Genetics (formerly Invitae), Labcorp); PubMed 18327258 (cited by Labcorp Genetics (formerly Invitae), Labcorp); PubMed 21068128 (cited by Labcorp Genetics (formerly Invitae), Labcorp); PubMed 21258341 (cited by Labcorp Genetics (formerly Invitae), Labcorp); PubMed 23559409 (cited by Labcorp Genetics (formerly Invitae), Labcorp); PubMed 24876116 (cited by Labcorp Genetics (formerly Invitae), Labcorp); PubMed 25492405 (cited by Labcorp Genetics (formerly Invitae), Labcorp); PubMed 27491411 (cited by Labcorp Genetics (formerly Invitae), Labcorp); PubMed 29068549 (cited by Labcorp Genetics (formerly Invitae), Labcorp).